The following is an entry in ClinVar:

NM_003119.4(SPG7):c.1959G>T (p.Lys653Asn)

Gene: SPG7 (SPG7 matrix AAA peptidase subunit, paraplegin; plus strand). Cytogenetic location: 16q24.3.
Variant type: single nucleotide variant.
Coding change: c.1959G>T on transcript NM_003119.4 (MANE Select); coding-DNA position 1959, G replaced by T.
Protein change: p.Lys653Asn; replaces lysine 653 with asparagine.
Molecular consequence: missense variant.
Genome position (GRCh38, 1-based): chr16:89,553,816, G>T. VCF-style: chr16-89553816-G-T. GRCh37 (hg19) VCF-style: chr16-89620224-G-T.
Other names: c.1959G>T, p.Lys653Asn (NM_001363850.1); short protein forms K653N.
Identifiers: ClinVar variation 644184 (VCV000644184.8), dbSNP rs775569150, ClinGen allele CA8244498.
Genomic context (GRCh38, chr16:89,553,816, plus strand): 5'-AGTGCTGAGGATGCCTCTGTCTCGACCCCGCCCTCCAGGGGCACAGGACGACCTGAGGAA[G>T]GTCACCCGCATCGCCTACTCCATGGTGAAGCAGTTTGGGATGGCACCTGGCATCGGGCCC-3'
Protein context (NP_003110.1, residues 643-663): VTSGAQDDLR[Lys653Asn]VTRIAYSMVK

ClinVar aggregate classification (germline): Uncertain significance (1 of 4 stars; one submission).

Conditions:
Hereditary spastic paraplegia 7 (SPG7). Also called: SPG7-related neurologic disorder; SPASTIC PARAPLEGIA 7, AUTOSOMAL RECESSIVE, WITH OR WITHOUT CEREBELLAR ATAXIA; Spastic paraplegia 7; Hereditary spastic paraplegia Paraplegin type; Autosomal recessive spastic paraplegia type 7. Identifiers: Orphanet 99013, MedGen C1846564, MONDO:0011803, OMIM 607259.

Allele frequency attached by ClinVar (database versions not stated): ExAC 0.00001; gnomAD 0.00001; gnomAD exomes 0.00001 and 0.00002; TOPMed 0.00002.
gnomAD v4.1: 23 of 1,613,422 alleles (0.0014%); highest among the groups gnomAD compares: Non-Finnish European, 0.0019%; no homozygotes.

Submission:

Labcorp Genetics (formerly Invitae), Labcorp
Classification: Uncertain significance for Hereditary spastic paraplegia 7. Last evaluated: 2021-04-15. Review status: criteria provided, single submitter. Criteria: Invitae Variant Classification Sherloc (09022015). Collection method: clinical testing. Allele origin: germline.
Comment: In summary, the available evidence is currently insufficient to determine the role of this variant in disease. Therefore, it has been classified as a Variant of Uncertain Significance. Algorithms developed to predict the effect of missense changes on protein structure and function (SIFT, PolyPhen-2, Align-GVGD) all suggest that this variant is likely to be disruptive, but these predictions have not been confirmed by published functional studies and their clinical significance is uncertain. This variant has not been reported in the literature in individuals with SPG7-related disease. This variant is present in population databases (rs775569150, ExAC 0.002%). This sequence change replaces lysine with asparagine at codon 653 of the SPG7 protein (p.Lys653Asn). The lysine residue is highly conserved and there is a moderate physicochemical difference between lysine and asparagine.